The following is an entry in ClinVar:

ClinVar aggregate classification (germline): Conflicting classifications of pathogenicity. Review status: criteria provided, conflicting classifications (1 of 4 stars). 3 submissions from 3 submitters: Likely pathogenic (1); Uncertain significance (2). Last evaluated 2025-11-24.

Conditions:
Mitochondrial disease. Also called: Mitochondrial disorder; Mitochondrial disorders. Identifiers: Orphanet 68380, MedGen C0751651, MeSH D028361, MONDO:0044970.
Mitochondrial DNA depletion syndrome, myopathic form (MTDPS2). Also called: MITOCHONDRIAL DNA DEPLETION SYNDROME 2 (MYOPATHIC TYPE); MITOCHONDRIAL DNA DEPLETION MYOPATHY, TK2-RELATED; TK2-Related Mitochondrial DNA Maintenance Defect, Myopathic Form. Identifiers: Orphanet 254875, MedGen C3149750, MONDO:0012301, OMIM 609560.

Allele frequency attached by ClinVar (database versions not stated): gnomAD exomes 0.00001 and 0.00002; gnomAD 0.00001; TOPMed 0.00001; ExAC 0.00002.
gnomAD v4.1: 22 of 1,614,108 alleles (0.0014%); highest among the groups gnomAD compares: Non-Finnish European, 0.0013%; no homozygotes.

Submissions (3):

Genomenon, Inc
Classification: Uncertain significance for Mitochondrial disease. Last evaluated: 2025-11-24. Review status: criteria provided, single submitter. Criteria: Genomenon Sequence Variant Interpretation Standards - Updated. Collection method: curation. Allele origin: germline. Affected: yes.
Comment: TK2 p.Val113Glu (c.338T>A) is a missense variant that changes the amino acid at residue 113 from Valine to Glutamic acid. This variant has been observed in a proband affected with mitochondrial disease in the compound heterozygous state (33486010). This variant is not present at a significant frequency in gnomAD, and in silico models agree that this variant is possibly or probably damaging. In conclusion, we classify TK2 p.Val113Glu (c.338T>A) as a variant of uncertain significance.

Women's Health and Genetics/Laboratory Corporation of America, LabCorp
Classification: Uncertain significance. Last evaluated: 2024-10-16. Review status: criteria provided, single submitter. Criteria: LabCorp Variant Classification Summary - May 2015. Collection method: clinical testing. Allele origin: germline.
Comment: Variant summary: TK2 c.338T>A (p.Val113Glu) results in a non-conservative amino acid change located in the Deoxynucleoside kinase domain (IPR031314) of the encoded protein sequence. Five of five in-silico tools predict a damaging effect of the variant on protein function. The variant allele was found at a frequency of 2e-05 in 251098 control chromosomes. The available data on variant occurrences in the general population are insufficient to allow any conclusion about variant significance. c.338T>A has been reported in the literature in the compound heterozygous state in at least one individual affected with Mitochondrial DNA Depletion Syndrome - TK2 Related (Bychkov_2021). These data do not allow any conclusion about variant significance. To our knowledge, no experimental evidence demonstrating an impact on protein function has been reported. The following publication have been ascertained in the context of this evaluation (PMID: 33486010). ClinVar contains an entry for this variant (Variation ID: 694440). Based on the evidence outlined above, the variant was classified as uncertain significance.

Laboratory of Inherited Metabolic Diseases, Research centre for medical genetics
Classification: Likely pathogenic for Mitochondrial DNA depletion syndrome, myopathic form. Last evaluated: 2019-07-17. Review status: criteria provided, single submitter. Criteria: ACMG Guidelines, 2015. Collection method: clinical testing. Allele origin: germline. Inheritance: Autosomal recessive inheritance. Affected: yes.
Comment: found in compound with c.323C>T (p.T108M)

Literature cited by the submitters: PubMed 33486010 (cited by Genomenon, Inc and Women's Health and Genetics/Laboratory Corporation of America, LabCorp).

NM_004614.5(TK2):c.338T>A (p.Val113Glu)

Gene: TK2 (thymidine kinase 2; minus strand). Cytogenetic location: 16q21.
Variant type: single nucleotide variant.
Coding change: c.338T>A on transcript NM_004614.5 (MANE Select); coding-DNA position 338, T replaced by A.
Protein change: p.Val113Glu; replaces valine 113 with glutamic acid.
Molecular consequence: missense variant. On other transcripts: non-coding transcript variant (1).
Genome position (GRCh38, 1-based): chr16:66,531,417, A>T on the plus strand (T>A on the coding strand, the complement: TK2 is on the minus strand). VCF-style: chr16-66531417-A-T. GRCh37 (hg19) VCF-style: chr16-66565320-A-T.
Other names: c.245T>A, p.Val82Glu (NM_001172643.1, NM_001271935.1); c.263T>A, p.Val88Glu (NM_001172644.2); c.284T>A, p.Val95Glu (NM_001172645.2); c.191T>A, p.Val64Glu (NM_001271934.2); c.47T>A, p.Val16Glu (NM_001272050.2); short protein forms V113E, V16E, V64E, V82E, V88E, V95E.
Identifiers: ClinVar variation 694440 (VCV000694440.4), dbSNP rs746707855, ClinGen allele CA8093710.